The following is an entry in ClinVar:

NC_000005.10:g.112707469G>C

Gene: APC (APC regulator of Wnt signaling pathway; plus strand). Cytogenetic location: 5q22.2.
Variant type: single nucleotide variant.
Genome position: GRCh38 VCF-style: chr5-112707469-G-C. GRCh37 (hg19) VCF-style: chr5-112043166-G-C.
Identifiers: ClinVar variation 1011127 (VCV001011127.48), dbSNP rs1257302588, ClinGen allele CA1573442334.

ClinVar aggregate classification (germline): Uncertain significance (1 of 4 stars; one submission).

Conditions:
Familial adenomatous polyposis 1 (FAP1). Also called: FAMILIAL ADENOMATOUS POLYPOSIS 1, ATTENUATED; POLYPOSIS, ADENOMATOUS INTESTINAL. Identifiers: MedGen C2713442, MONDO:0021056, OMIM 175100. Disease mechanism: loss of function.

Submission:

Labcorp Genetics (formerly Invitae), Labcorp
Classification: Uncertain significance for Familial adenomatous polyposis 1. Last evaluated: 2019-12-15. Review status: criteria provided, single submitter. Criteria: Invitae Variant Classification Sherloc (09022015). Collection method: clinical testing. Allele origin: germline.
Comment: This variant occurs in a non-coding region of the APC gene. It does not change the encoded amino acid sequence of the APC protein. Experimental studies and prediction algorithms are not available for this variant, and the functional significance of this non-coding change is currently unknown. In summary, the available evidence is currently insufficient to determine the role of this variant in disease. Therefore, it has been classified as a Variant of Uncertain Significance. This variant has not been reported in the literature in individuals with APC-related conditions. The frequency data for this variant in the population databases is considered unreliable, as metrics indicate insufficient coverage at this position in the ExAC database.